The following is an entry in ClinVar:

NM_003835.4(RGS9):c.2019C>A (p.Ser673Arg)

Gene: RGS9 (regulator of G protein signaling 9; plus strand). Cytogenetic location: 17q24.1.
Variant type: single nucleotide variant.
Coding change: c.2019C>A on transcript NM_003835.4 (MANE Select); coding-DNA position 2019, C replaced by A.
Protein change: p.Ser673Arg; replaces serine 673 with arginine.
Molecular consequence: missense variant.
Genome position (GRCh38, 1-based): chr17:65,227,401, C>A. VCF-style: chr17-65227401-C-A. GRCh37 (hg19) VCF-style: chr17-63223519-C-A.
Other names: c.2010C>A, p.Ser670Arg (NM_001081955.3); short protein forms S670R, S673R.
Identifiers: ClinVar variation 1379591 (VCV001379591.6), dbSNP rs746480302, ClinGen allele CA8718229.

ClinVar aggregate classification (germline): Uncertain significance (1 of 4 stars; one submission).

Allele frequency attached by ClinVar (database versions not stated): gnomAD exomes 0.00001; ExAC 0.00002.
gnomAD v4.1: 3 of 1,613,432 alleles (0.00019%); highest among the groups gnomAD compares: East Asian, 0.0067%; no homozygotes.

Submission:

Labcorp Genetics (formerly Invitae), Labcorp
Classification: Uncertain significance. Last evaluated: 2021-11-02. Review status: criteria provided, single submitter. Criteria: Invitae Variant Classification Sherloc (09022015). Collection method: clinical testing. Allele origin: germline.
Comment: In summary, the available evidence is currently insufficient to determine the role of this variant in disease. Therefore, it has been classified as a Variant of Uncertain Significance. Algorithms developed to predict the effect of missense changes on protein structure and function are either unavailable or do not agree on the potential impact of this missense change (SIFT: "Deleterious"; PolyPhen-2: "Benign"; Align-GVGD: "Class C0"). This variant has not been reported in the literature in individuals affected with RGS9-related conditions. This variant is present in population databases (rs746480302, gnomAD 0.01%). This sequence change replaces serine, which is neutral and polar, with arginine, which is basic and polar, at codon 673 of the RGS9 protein (p.Ser673Arg).